The following is an entry in ClinVar:

NM_001001557.4(GDF6):c.980C>A (p.Pro327His)

Gene: GDF6 (growth differentiation factor 6; minus strand). Cytogenetic location: 8q22.1.
Variant type: single nucleotide variant.
Coding change: c.980C>A on transcript NM_001001557.4 (MANE Select); coding-DNA position 980, C replaced by A.
Protein change: p.Pro327His; replaces proline 327 with histidine.
Molecular consequence: missense variant.
Genome position (GRCh38, 1-based): chr8:96,144,951, G>T on the plus strand (C>A on the coding strand, the complement: GDF6 is on the minus strand). VCF-style: chr8-96144951-G-T. GRCh37 (hg19) VCF-style: chr8-97157179-G-T.
Other names: c.980C>A (NM_001001557.3); short protein forms P327H.
Identifiers: ClinVar variation 8376 (VCV000008376.14), dbSNP rs121909356, ClinGen allele CA119560.

ClinVar aggregate classification (germline): Conflicting classifications of pathogenicity. Review status: criteria provided, conflicting classifications (1 of 4 stars). 3 submissions from 3 submitters: Uncertain significance (1); Benign (1). 1 of the submissions does not count toward it. Last evaluated 2025-08-04.

Conditions:
GDF6-related disorder. Also called: GDF6-related condition.
Microphthalmia, isolated, with coloboma 6 (MCOPCB6). Also called: MICROPHTHALMIA/COLOBOMA 6; Microphthalmia with coloboma 6, digenic; Microphthalmia with coloboma 6. Identifiers: Orphanet 98938, MedGen C3150968, MONDO:0013376, OMIM 613703.
Klippel-Feil syndrome 1, autosomal dominant (KFS1). Also called: CERVICAL VERTEBRAL FUSION, AUTOSOMAL DOMINANT. Identifiers: Orphanet 2345, MedGen C1861689, MONDO:0007306, OMIM 118100.
Leber congenital amaurosis 17 (LCA17). Identifiers: Orphanet 65, MedGen C3715164, MONDO:0014145, OMIM 615360.
Isolated microphthalmia 4. Identifiers: Orphanet 2542, MedGen C2751307, MONDO:0013130, OMIM 613094.

Allele frequency attached by ClinVar (database versions not stated): gnomAD below 0.00001 and 0.00009; TOPMed 0.00001; gnomAD exomes 0.00018 and 0.00051; 1000 Genomes Project 0.00020; 1000 Genomes Project 30x 0.00031; ExAC 0.00111.
gnomAD v4.1: 261 of 1,549,600 alleles (0.017%); highest among the groups gnomAD compares: South Asian, 0.29%; 1 homozygote.

Submissions (3):

Labcorp Genetics (formerly Invitae), Labcorp
Classification: Benign for Isolated microphthalmia 4; Leber congenital amaurosis 17; Klippel-Feil syndrome 1, autosomal dominant; Microphthalmia, isolated, with coloboma 6. Last evaluated: 2025-08-04. Review status: criteria provided, single submitter. Criteria: Invitae Variant Classification Sherloc (09022015). Collection method: clinical testing. Allele origin: germline.

PreventionGenetics, part of Exact Sciences
Classification: Uncertain significance for GDF6-related condition. Last evaluated: 2025-03-21. Review status: criteria provided, single submitter. Criteria: ACMG Guidelines, 2015. Collection method: clinical testing. Allele origin: germline.
Comment: The GDF6 c.980C>A variant is predicted to result in the amino acid substitution p.Pro327His. This variant has been reported in individuals with ocular abnormalities, including microphthalmia and coloboma and has been in some cases inherited from unaffected parents (Asai-Coakwell et al. 2009. PubMed ID: 19129173; Chassaing et al. 2013. PubMed ID: 24033328; Islam et al. 2020. PubMed ID: 32799327). It is possible that this may be variant with incomplete penetrance. This variant is reported in 0.33% of alleles in individuals of South Asian descent in gnomAD, which is higher than expected for causative variant. At this time, the clinical significance of this variant is uncertain due to the absence of conclusive functional and genetic evidence.

OMIM
Classification: Pathogenic for MICROPHTHALMIA, ISOLATED 4. Last evaluated: 2009-03-15. Review status: no assertion criteria provided. Collection method: literature only. Allele origin: germline. Not counted in ClinVar's aggregate classification.

Literature cited by the submitters: PubMed 19129173 (cited by OMIM).